The following is an entry in ClinVar:

ClinVar aggregate classification (germline): Pathogenic/Likely pathogenic. Review status: criteria provided, multiple submitters, no conflicts (2 of 4 stars). 6 submissions from 6 submitters: Pathogenic (5); Likely pathogenic (1). Last evaluated 2025-09-03.

Conditions:
Inborn genetic diseases. Identifiers: MedGen C0950123, MeSH D030342.
Cortical dysplasia-focal epilepsy syndrome (PTHSL1). Also called: Pitt-Hopkins-like syndrome 1. Identifiers: Orphanet 163681, Orphanet 221150, MedGen C2750246, MONDO:0012400, OMIM 610042.

Allele frequency attached by ClinVar (database versions not stated): gnomAD 0.00001; gnomAD exomes 0.00001.
gnomAD v4.1: 18 of 1,613,770 alleles (0.0011%); highest among the groups gnomAD compares: Admixed American, 0.005%; no homozygotes.

Submissions (6):

Dasa
Classification: Likely pathogenic. Last evaluated: 2025-09-03. Review status: criteria provided, single submitter. Criteria: DASA Assertion Criteria. Collection method: clinical testing. Allele origin: germline.
Comment: NM_014141.6(CNTNAP2):c.1447C>T (p.Arg483*) is a nonsense variant in CNTNAP2 predicted to introduce a premature termination codon and is predicted to result in an absent or altered protein product. Loss of function is an established disease mechanism for CNTNAP2-associated disorders. Also, this variant is rare in population databases. Based on the currently available evidence, this variant is classified as likely pathogenic.

Labcorp Genetics (formerly Invitae), Labcorp
Classification: Pathogenic for Cortical dysplasia-focal epilepsy syndrome. Last evaluated: 2025-08-17. Review status: criteria provided, single submitter. Criteria: Invitae Variant Classification Sherloc (09022015). Collection method: clinical testing. Allele origin: germline.
Comment: This sequence change creates a premature translational stop signal (p.Arg483*) in the CNTNAP2 gene. It is expected to result in an absent or disrupted protein product. Loss-of-function variants in CNTNAP2 are known to be pathogenic (PMID: 19896112, 21827697, 25045150, 26843181, 27439707). This variant is present in population databases (rs752550849, gnomAD 0.009%). This variant has not been reported in the literature in individuals affected with CNTNAP2-related conditions. ClinVar contains an entry for this variant (Variation ID: 205244). For these reasons, this variant has been classified as Pathogenic.

Ambry Genetics
Classification: Pathogenic for Inborn genetic diseases. Last evaluated: 2025-07-01. Review status: criteria provided, single submitter. Criteria: Ambry Variant Classification Scheme 2023. Collection method: clinical testing. Allele origin: germline.
Comment: The c.1447C>T (p.R483*) alteration, located in exon 9 (coding exon 9) of the CNTNAP2 gene, consists of a C to T substitution at nucleotide position 1447. This changes the amino acid from an arginine (R) to a stop codon at amino acid position 483. This alteration is expected to result in loss of function by premature protein truncation or nonsense-mediated mRNA decay. Based on data from gnomAD, the T allele has an overall frequency of 0.001% (3/251318) total alleles studied. Based on the available evidence, this alteration is classified as pathogenic.

GeneDx
Classification: Pathogenic. Last evaluated: 2025-05-07. Review status: criteria provided, single submitter. Criteria: GeneDx Variant Classification Process June 2021. Collection method: clinical testing. Allele origin: germline. Affected: yes.
Comment: Nonsense variant predicted to result in protein truncation or nonsense mediated decay in a gene for which loss of function is a known mechanism of disease; Not observed at significant frequency in large population cohorts (gnomAD); This variant is associated with the following publications: (PMID: 31440721)

Victorian Clinical Genetics Services, Murdoch Childrens Research Institute
Classification: Pathogenic for Cortical dysplasia-focal epilepsy syndrome. Last evaluated: 2025-02-20. Review status: criteria provided, single submitter. Criteria: ACMG Guidelines, 2015. Collection method: clinical testing. Allele origin: germline. Affected: yes.
Comment: This variant is classified as Pathogenic. Evidence in support of pathogenic classification: Variant is predicted to cause nonsense-mediated decay (NMD) and loss of protein (premature termination codon is located at least 54 nucleotides upstream of the final exon-exon junction); Variant is present in gnomAD <0.01 for a recessive condition (v4: 18 heterozygote(s), 0 homozygote(s)); This variant has moderate previous evidence of pathogenicity in unrelated individuals. This variant has been classified as pathogenic and likely pathogenic by clinical laboratories in ClinVar; Other NMD-predicted variant(s) comparable to the one identified in this case have very strong previous evidence for pathogenicity (DECIPHER). Additional information: This variant is heterozygous; This gene is associated with autosomal recessive disease; No published segregation evidence has been identified for this variant; No published functional evidence has been identified for this variant; Loss of function is a known mechanism of disease in this gene and is associated with Pitt-Hopkins like syndrome 1 (MIM#610042); Inheritance information for this variant is not currently available in this individual.

Seattle Children's Hospital Molecular Genetics Laboratory, Seattle Children's Hospital
Classification: Pathogenic. Last evaluated: 2021-01-08. Review status: criteria provided, single submitter. Criteria: ACMG Guidelines, 2015. Collection method: clinical testing. Allele origin: unknown. Inheritance: Autosomal recessive inheritance. Affected: yes.
Comment: This variant is predicted to create a premature termination codon at protein position 483 and result in a loss of protein function. This variant has not been reported in the medical literature but loss-of-function variants in CNTNAP2 are known to be pathogenic. This is a rare variant in large population studies (3 of 251,318 alleles; Genome Aggregation Database v2.1.1).

Literature cited by the submitters: PubMed 19896112 (cited by Labcorp Genetics (formerly Invitae), Labcorp); PubMed 21827697 (cited by Labcorp Genetics (formerly Invitae), Labcorp); PubMed 25045150 (cited by Labcorp Genetics (formerly Invitae), Labcorp); PubMed 26843181 (cited by Labcorp Genetics (formerly Invitae), Labcorp); PubMed 27439707 (cited by Labcorp Genetics (formerly Invitae), Labcorp).

NM_014141.6(CNTNAP2):c.1447C>T (p.Arg483Ter)

Gene: CNTNAP2 (contactin associated protein 2; plus strand). Cytogenetic location: 7q35.
Variant type: single nucleotide variant.
Coding change: c.1447C>T on transcript NM_014141.6 (MANE Select); coding-DNA position 1447, C replaced by T.
Protein change: p.Arg483Ter; replaces arginine 483 with a stop codon.
Molecular consequence: nonsense.
Genome position (GRCh38, 1-based): chr7:147,300,239, C>T. VCF-style: chr7-147300239-C-T. GRCh37 (hg19) VCF-style: chr7-146997331-C-T.
Other names: p.R483*:CGA>TGA; short protein forms R483*.
Identifiers: ClinVar variation 205244 (VCV000205244.16), dbSNP rs752550849, ClinGen allele CA314122.